The following is an entry in ClinVar:

NM_006901.4(MYO9A):c.7530G>C (p.Gln2510His)

Gene: MYO9A (myosin IXA; minus strand). Cytogenetic location: 15q23.
Variant type: single nucleotide variant.
Coding change: c.7530G>C on transcript NM_006901.4 (MANE Select); coding-DNA position 7530, G replaced by C.
Protein change: p.Gln2510His; replaces glutamine 2510 with histidine.
Molecular consequence: missense variant.
Genome position (GRCh38, 1-based): chr15:71,826,697, C>G on the plus strand (G>C on the coding strand, the complement: MYO9A is on the minus strand). VCF-style: chr15-71826697-C-G. GRCh37 (hg19) VCF-style: chr15-72119038-C-G.
Other names: short protein forms Q2510H.
Identifiers: ClinVar variation 2630753 (VCV002630753.1), dbSNP rs2543427543, ClinGen allele CA393046171.
Genomic context (GRCh38, chr15:71,826,697, plus strand): 5'-TGGGTCCACAGTTTTTCTGCGGCCAGACATGACTGTCCCCTCTGGGGTCTCTTTGGTTTT[C>G]TGAGGTGAGTTTTTCACATTCTTTAATTTTTGTTTGCCCTTTTCCGGGTTGAAGGTTCCT-3'
Protein context (NP_008832.2, residues 2500-2520): QKLKNVKNSP[Gln2510His]KTKETPEGTV

ClinVar aggregate classification (germline): Uncertain significance (1 of 4 stars; one submission).

Conditions:
MYO9A-related disorder. Also called: MYO9A-related condition.

Submission:

PreventionGenetics, part of Exact Sciences
Classification: Uncertain significance for MYO9A-related condition. Last evaluated: 2023-09-05. Review status: criteria provided, single submitter. Criteria: ACMG Guidelines, 2015. Collection method: clinical testing. Allele origin: germline.
Comment: The MYO9A c.7530G>C variant is predicted to result in the amino acid substitution p.Gln2510His. To our knowledge, this variant has not been reported in the literature or in a large population database, indicating this variant is rare. At this time, the clinical significance of this variant is uncertain due to the absence of conclusive functional and genetic evidence.